The following is an entry in ClinVar:

NM_007294.4(BRCA1):c.1391_1392insG (p.Tyr465fs)

Gene: BRCA1 (BRCA1 DNA repair associated; minus strand). Cytogenetic location: 17q21.31.
Variant type: Insertion.
Coding change: c.1391_1392insG on transcript NM_007294.4 (MANE Select); coding-DNA positions 1391 to 1392, G inserted.
Protein change: p.Tyr465fs; shifts the reading frame from tyrosine 465.
Molecular consequence: frameshift variant. On other transcripts: intron variant (137).
Genome position: GRCh38 VCF-style: chr17-43094139-G-GC. GRCh37 (hg19) VCF-style: chr17-41246156-G-GC.
Other names: c.1391_1392insG, p.Tyr465fs (NM_001407594.1, NM_001407596.1, NM_001407597.1 and 30 more transcripts); c.1388_1389insG, p.Tyr464fs (NM_001407610.1, NM_001407611.1, NM_001407612.1 and 22 more transcripts); c.1382_1383insG, p.Tyr462fs (NM_001407646.1, NM_001407647.1); c.1268_1269insG, p.Tyr424fs (NM_001407648.1, NM_001407664.1, NM_001407665.1 and 19 more transcripts); c.1265_1266insG, p.Tyr423fs (NM_001407649.1, NM_001407685.1, NM_001407686.1 and 11 more transcripts); c.1310_1311insG, p.Tyr438fs (NM_001407660.1, NM_001407661.1, NM_001407662.1 and 1 more transcripts); c.1313_1314insG, p.Tyr439fs (NM_001407663.1, NM_001407653.1, NM_001407654.1 and 4 more transcripts); c.1250_1251insG, p.Tyr418fs (NM_001407697.1, NM_001407698.1, NM_001407724.1 and 29 more transcripts); and 40 more; short protein forms Y418fs, Y465fs, Y297fs, Y338fs, Y354fs, Y377fs, Y398fs, Y464fs.
Identifiers: ClinVar variation 431212 (VCV000431212.2), dbSNP rs1135401845, ClinGen allele CA645373205.

ClinVar aggregate classification (germline): Pathogenic. Review status: reviewed by expert panel (3 of 4 stars). 2 submissions from 2 submitters: Pathogenic (1). 1 of the submissions does not count toward it. Last evaluated 2017-12-15.

Conditions:
Hereditary breast ovarian cancer syndrome. Also called: Hereditary breast and ovarian cancer syndrome (HBOC); BRCA1- and BRCA2-Associated Hereditary Breast and Ovarian Cancer; Hereditary breast and/or ovarian cancer syndrome; Hereditary breast and ovarian cancer syndrome; Hereditary breast and ovarian cancer; Breast and ovarian cancer. Identifiers: Orphanet 145, MedGen C0677776, MeSH D061325, MONDO:0003582. Disease mechanism: loss of function.
Breast-ovarian cancer, familial, susceptibility to, 1 (BROVCA1). Also called: BRCA1 Hereditary Breast and Ovarian Cancer; OVARIAN CANCER, SUSCEPTIBILITY TO. Identifiers: Orphanet 145, MedGen C2676676, MONDO:0011450, OMIM 604370. Disease mechanism: loss of function.

Submissions (2):

Evidence-based Network for the Interpretation of Germline Mutant Alleles (ENIGMA)
Classification: Pathogenic for Breast-ovarian cancer, familial, susceptibility to, 1. Last evaluated: 2017-12-15. Review status: reviewed by expert panel. Criteria: ENIGMA BRCA1/2 Classification Criteria (2017-06-29). Collection method: curation. Allele origin: germline. Study: ENIGMA.
Comment: Variant allele predicted to encode a truncated non-functional protein.

Research Molecular Genetics Laboratory, Women's College Hospital, University of Toronto
Classification: Pathogenic for Hereditary breast ovarian cancer syndrome. Last evaluated: 2014-01-31. Review status: no assertion criteria provided. Collection method: research. Allele origin: germline. Affected: yes. Study: The Canadian Open Genetics Repository (COGR). Not counted in ClinVar's aggregate classification.